The following is an entry in ClinVar:

ClinVar aggregate classification (germline): Uncertain significance (1 of 4 stars; one submission).

Conditions:
Nemaline myopathy 6 (NEM6). Also called: Nemaline myopathy 6, autosomal dominant. Identifiers: Orphanet 171439, MedGen C1836472, MONDO:0012237, OMIM 609273.

Allele frequency attached by ClinVar (database versions not stated): gnomAD exomes below 0.00001; ExAC 0.00001.

Submission:

Labcorp Genetics (formerly Invitae), Labcorp
Classification: Uncertain significance for Nemaline myopathy 6. Last evaluated: 2022-11-04. Review status: criteria provided, single submitter. Criteria: Invitae Variant Classification Sherloc (09022015). Collection method: clinical testing. Allele origin: germline.
Comment: In summary, the available evidence is currently insufficient to determine the role of this variant in disease. Therefore, it has been classified as a Variant of Uncertain Significance. Advanced modeling of protein sequence and biophysical properties (such as structural, functional, and spatial information, amino acid conservation, physicochemical variation, residue mobility, and thermodynamic stability) performed at Invitae indicates that this missense variant is not expected to disrupt KBTBD13 protein function. This variant has not been reported in the literature in individuals affected with KBTBD13-related conditions. This variant is present in population databases (rs749607869, gnomAD 0.003%). This sequence change replaces valine, which is neutral and non-polar, with leucine, which is neutral and non-polar, at codon 356 of the KBTBD13 protein (p.Val356Leu).

NM_001101362.3(KBTBD13):c.1066G>C (p.Val356Leu)

Gene: KBTBD13 (kelch repeat and BTB domain containing 13; plus strand). Cytogenetic location: 15q22.31.
Variant type: single nucleotide variant.
Coding change: c.1066G>C on transcript NM_001101362.3 (MANE Select); coding-DNA position 1066, G replaced by C.
Protein change: p.Val356Leu; replaces valine 356 with leucine.
Molecular consequence: missense variant.
Genome position (GRCh38, 1-based): chr15:65,077,881, G>C. VCF-style: chr15-65077881-G-C. GRCh37 (hg19) VCF-style: chr15-65370219-G-C.
Other names: short protein forms V356L.
Identifiers: ClinVar variation 2872596 (VCV002872596.3), dbSNP rs749607869, ClinGen allele CA7614059.
Genomic context (GRCh38, chr15:65,077,881, plus strand): 5'-CTGCGGCGTCCGCAGAGCTATGGCCACTGCATGGTGGCCCACCGCGACAGCCTCTATGTG[G>C]TGCGCAACGGACCTTCCGACGACTTCCTGCACTGCGCCATCGACTGTCTCAACCTGGCCA-3'
Protein context (NP_001094832.1, residues 346-366): MVAHRDSLYV[Val356Leu]RNGPSDDFLH